The following is an entry in ClinVar:

ClinVar aggregate classification (germline): Uncertain significance. Review status: criteria provided, multiple submitters, no conflicts (2 of 4 stars). 2 submissions from 2 submitters: Uncertain significance (2). Last evaluated 2025-09-05.

Conditions:
Inborn genetic diseases. Identifiers: MedGen C0950123, MeSH D030342.
Mitochondrial trifunctional protein deficiency. Identifiers: Orphanet 746, MedGen C1969443, MONDO:0012172.

Allele frequency attached by ClinVar (database versions not stated): gnomAD exomes 0.00010; ExAC 0.00012; ESP Exome Variant Server 0.00023; gnomAD 0.00031; TOPMed 0.00040; 1000 Genomes Project 0.00120; 1000 Genomes Project 30x 0.00125.
gnomAD v4.1: 92 of 1,609,252 alleles (0.0057%); highest among the groups gnomAD compares: African/African-American, 0.11%; no homozygotes.

Submissions (4):

Ambry Genetics
Classification: Uncertain significance for Inborn genetic diseases. Last evaluated: 2025-09-05. Review status: criteria provided, single submitter. Criteria: Ambry Variant Classification Scheme 2023. Collection method: clinical testing. Allele origin: germline.

Labcorp Genetics (formerly Invitae), Labcorp
Classification: Uncertain significance for Mitochondrial trifunctional protein deficiency. Last evaluated: 2022-08-22. Review status: criteria provided, single submitter. Criteria: Invitae Variant Classification Sherloc (09022015). Collection method: clinical testing. Allele origin: germline.
Comment: This sequence change replaces methionine, which is neutral and non-polar, with isoleucine, which is neutral and non-polar, at codon 341 of the HADHB protein (p.Met341Ile). This variant is present in population databases (rs141484936, gnomAD 0.1%). This variant has not been reported in the literature in individuals affected with HADHB-related conditions. ClinVar contains an entry for this variant (Variation ID: 1446813). Algorithms developed to predict the effect of missense changes on protein structure and function output the following: SIFT: "Tolerated"; PolyPhen-2: "Benign"; Align-GVGD: "Class C0". The isoleucine amino acid residue is found in multiple mammalian species, which suggests that this missense change does not adversely affect protein function. Algorithms developed to predict the effect of sequence changes on RNA splicing suggest that this variant may create or strengthen a splice site. In summary, the available evidence is currently insufficient to determine the role of this variant in disease. Therefore, it has been classified as a Variant of Uncertain Significance.

Dr. Peter K. Rogan Lab, Western University
No classification provided (evidence only). Condition: Familial cancer of breast. Review status: no classification provided. Collection method: in vitro. Allele origin: not applicable. Functional consequence: retained intron. Not counted in ClinVar's aggregate classification.

Dr. Peter K. Rogan Lab, Western University
No classification provided (evidence only). Condition: Cervical cancer. Review status: no classification provided. Collection method: in vitro. Allele origin: not applicable. Functional consequence: retained intron. Not counted in ClinVar's aggregate classification.

NM_000183.3(HADHB):c.1023G>T (p.Met341Ile)

Gene: HADHB (hydroxyacyl-CoA dehydrogenase trifunctional multienzyme complex subunit beta; plus strand). Cytogenetic location: 2p23.3.
Variant type: single nucleotide variant.
Coding change: c.1023G>T on transcript NM_000183.3 (MANE Select); coding-DNA position 1023, G replaced by T.
Protein change: p.Met341Ile; replaces methionine 341 with isoleucine.
Molecular consequence: missense variant.
Genome position (GRCh38, 1-based): chr2:26,283,013, G>T. VCF-style: chr2-26283013-G-T. GRCh37 (hg19) VCF-style: chr2-26505881-G-T.
Other names: c.978G>T, p.Met326Ile (NM_001281512.2); c.957G>T, p.Met319Ile (NM_001281513.2); c.1023G>T (NM_000183.2); short protein forms M341I, M319I, M326I.
Identifiers: ClinVar variation 1446813 (VCV001446813.5), dbSNP rs141484936, ClinGen allele CA1560424.